The following is an entry in ClinVar:

ClinVar aggregate classification (germline): Uncertain significance (1 of 4 stars; one submission).

Submission:

GeneDx
Classification: Uncertain significance. Last evaluated: 2026-03-26. Review status: criteria provided, single submitter. Criteria: GeneDx Variant Classification Process June 2021. Collection method: clinical testing. Allele origin: germline.
Comment: Not observed at significant frequency in large population cohorts (gnomAD); In silico analysis suggests that this missense variant does not alter protein structure/function; Has not been previously published as pathogenic or benign to our knowledge.

NM_001173464.2(KIF21A):c.100G>A (p.Val34Ile)

Gene: KIF21A (kinesin family member 21A; minus strand). Cytogenetic location: 12q12.
Variant type: single nucleotide variant.
Coding change: c.100G>A on transcript NM_001173464.2 (MANE Select); coding-DNA position 100, G replaced by A.
Protein change: p.Val34Ile; replaces valine 34 with isoleucine.
Molecular consequence: missense variant.
Genome position (GRCh38, 1-based): chr12:39,370,206, C>T on the plus strand (G>A on the coding strand, the complement: KIF21A is on the minus strand). VCF-style: chr12-39370206-C-T. GRCh37 (hg19) VCF-style: chr12-39764008-C-T.
Other names: c.100G>A, p.Val34Ile (NM_001173463.2, NM_001173465.2, NM_001378439.1 and 3 more transcripts); short protein forms V34I.
Identifiers: ClinVar variation 5017091 (VCV005017091.1).